The following is an entry in ClinVar:

NM_017565.4(FAM20A):c.349_367del (p.Leu117fs)

Gene: FAM20A (FAM20A golgi associated secretory pathway pseudokinase; minus strand). Cytogenetic location: 17q24.2.
Variant type: Deletion.
Coding change: c.349_367del on transcript NM_017565.4 (MANE Select); coding-DNA positions 349 to 367, 19 bases deleted (CTGGCCAGCCAGGAGGCGC).
Protein change: p.Leu117fs; shifts the reading frame from leucine 117.
Molecular consequence: frameshift variant. On other transcripts: 5 prime UTR variant (1).
Genome position (GRCh38, 1-based): chr17:68,600,300-68,600,318, GCGCCTCCTGGCTGGCCAG deleted on the plus strand (CTGGCCAGCCAGGAGGCGC on the coding strand, the reverse complement: FAM20A is on the minus strand); deleting any 19 consecutive bases within chr17:68,600,300-68,600,319 gives the same sequence; the c. name uses the placement nearest the transcript's 3' end. VCF-style (leftmost placement, unchanged base first): chr17-68600299-AGCGCCTCCTGGCTGGCCAG-A. GRCh37 (hg19) VCF-style: chr17-66596440-AGCGCCTCCTGGCTGGCCAG-A.
Other names: c.-292_-274del (NM_001243746.2); c.349_367del19 (NM_017565.3); short protein forms L117fs.
Identifiers: ClinVar variation 1322863 (VCV001322863.5), dbSNP rs766926330, ClinGen allele CA8730107.

ClinVar aggregate classification (germline): Pathogenic. Review status: criteria provided, multiple submitters, no conflicts (2 of 4 stars). 2 submissions from 2 submitters: Pathogenic (2). Last evaluated 2026-01-12.

Conditions:
Inborn genetic diseases. Identifiers: MedGen C0950123, MeSH D030342.
Amelogenesis imperfecta type 1G (AI1G). Also called: Amelogenesis imperfecta hypoplastic type, IG; Amelogenesis imperfecta and nephrocalcinosis; ENAMEL-RENAL-GINGIVAL SYNDROME; AMELOGENESIS IMPERFECTA, HYPOPLASTIC, WITH NEPHROCALCINOSIS; AMELOGENESIS IMPERFECTA, TYPE IG; Amelogenesis imperfecta-gingival hyperplasia syndrome. Identifiers: Orphanet 1031, Orphanet 171836, MedGen C2931783, MONDO:0008771, OMIM 204690. Disease mechanism: loss of function.

Submissions (2):

Ambry Genetics
Classification: Pathogenic for Inborn genetic diseases. Last evaluated: 2026-01-12. Review status: criteria provided, single submitter. Criteria: Ambry Variant Classification Scheme 2023. Collection method: clinical testing. Allele origin: germline.
Comment: The c.349_367del19 (p.L117Cfs*22) alteration, located in exon 1 (coding exon 1) of the FAM20A gene, consists of a deletion of 19 nucleotides from position 349 to 367, causing a translational frameshift with a predicted alternate stop codon after 22 amino acids. This alteration is expected to result in loss of function by premature protein truncation or nonsense-mediated mRNA decay. This variant was not reported in population-based cohorts in the Genome Aggregation Database (gnomAD). This variant has been identified in the homozygous state and/or in conjunction with other FAM20A variant(s) in individual(s) with features consistent with FAM20A-related amelogenesis imperfecta (Kantaputra, 2014). Based on the available evidence, this alteration is classified as pathogenic.

Revvity Omics, Revvity
Classification: Pathogenic for Amelogenesis imperfecta type 1G. Last evaluated: 2020-11-04. Review status: criteria provided, single submitter. Criteria: ACMG Guidelines, 2015. Collection method: clinical testing. Allele origin: germline.

Literature cited by the submitters: PubMed 24259279 (cited by Ambry Genetics).